The following is an entry in ClinVar:

ClinVar aggregate classification (germline): Pathogenic (1 of 4 stars; one submission).

Conditions:
Polyglucosan body myopathy type 1 (PGBM1). Also called: Polyglucosan body myopathy 1 with or without immunodeficiency; POLYGLUCOSAN BODY MYOPATHY WITHOUT IMMUNODEFICIENCY. Identifiers: Orphanet 329173, Orphanet 397937, MedGen C4014605, MONDO:0014389, OMIM 615895.

Submission:

Labcorp Genetics (formerly Invitae), Labcorp
Classification: Pathogenic for Polyglucosan body myopathy type 1. Last evaluated: 2025-06-03. Review status: criteria provided, single submitter. Criteria: Invitae Variant Classification Sherloc (09022015). Collection method: clinical testing. Allele origin: germline.
Comment: This sequence change creates a premature translational stop signal (p.Arg239Profs*60) in the RBCK1 gene. It is expected to result in an absent or disrupted protein product. Loss-of-function variants in RBCK1 are known to be pathogenic (PMID: 2379848, 23104095, 23889995). This variant is not present in population databases (gnomAD no frequency). This variant has not been reported in the literature in individuals affected with RBCK1-related conditions. For these reasons, this variant has been classified as Pathogenic.

Literature cited by the submitters: PubMed 2379848; PubMed 23104095; PubMed 23889995.

NM_031229.4(RBCK1):c.716_717del (p.Arg239fs)

Gene: RBCK1 (RANBP2-type and C3HC4-type zinc finger containing 1; plus strand). Cytogenetic location: 20p13.
Variant type: Microsatellite.
Coding change: c.716_717del on transcript NM_031229.4 (MANE Select); coding-DNA positions 716 to 717, 2 bases deleted (GC; older notation c.716_717delGC).
Protein change: p.Arg239fs; shifts the reading frame from arginine 239.
Molecular consequence: frameshift variant. On other transcripts: non-coding transcript variant (1).
Genome position (GRCh38, 1-based): chr20:419,691-419,692, GC deleted; deleting any 2 consecutive bases within chr20:419,687-419,692 gives the same sequence; the c. name uses the placement nearest the transcript's 3' end. VCF-style (leftmost placement, unchanged base first): chr20-419686-AGC-A. GRCh37 (hg19) VCF-style: chr20-400330-AGC-A.
Other names: c.367_368del, p.Ala123fs (NM_001323956.2, NM_001323958.2); c.767_768del, p.Arg256fs (NM_001410770.1); c.590_591del, p.Arg197fs (NM_006462.6); short protein forms A123fs, R239fs, R256fs, R197fs.
Identifiers: ClinVar variation 4720630 (VCV004720630.1).